The following is an entry in ClinVar:

NM_001184.4(ATR):c.2204A>G (p.His735Arg)

Gene: ATR (ATR serine/threonine kinase; minus strand). Cytogenetic location: 3q23.
Variant type: single nucleotide variant.
Coding change: c.2204A>G on transcript NM_001184.4 (MANE Select); coding-DNA position 2204, A replaced by G.
Protein change: p.His735Arg; replaces histidine 735 with arginine.
Molecular consequence: missense variant.
Genome position (GRCh38, 1-based): chr3:142,556,014, T>C on the plus strand (A>G on the coding strand, the complement: ATR is on the minus strand). VCF-style: chr3-142556014-T-C. GRCh37 (hg19) VCF-style: chr3-142274856-T-C.
Other names: c.2012A>G, p.His671Arg (NM_001354579.2); short protein forms H735R, H671R.
Identifiers: ClinVar variation 3463475 (VCV003463475.1).

ClinVar aggregate classification (germline): Uncertain significance (1 of 4 stars; one submission).

Conditions:
Inborn genetic diseases. Identifiers: MedGen C0950123, MeSH D030342.

gnomAD v4.1: 2 of 1,614,138 alleles (0.00012%); highest among the groups gnomAD compares: South Asian, 0.0011%; no homozygotes.

Submission:

Ambry Genetics
Classification: Uncertain significance for Inborn genetic diseases. Last evaluated: 2024-11-16. Review status: criteria provided, single submitter. Criteria: Ambry Variant Classification Scheme 2023. Collection method: clinical testing. Allele origin: germline.
Comment: The p.H735R variant (also known as c.2204A>G), located in coding exon 10 of the ATR gene, results from an A to G substitution at nucleotide position 2204. The histidine at codon 735 is replaced by arginine, an amino acid with highly similar properties. This amino acid position is conserved. In addition, this alteration is predicted to be tolerated by in silico analysis. Based on the available evidence, the clinical significance of this variant remains unclear.